The following is an entry in ClinVar:

NM_001164508.2(NEB):c.10712G>A (p.Arg3571Lys)

Gene: NEB (nebulin; minus strand). Cytogenetic location: 2q23.3.
Variant type: single nucleotide variant.
Coding change: c.10712G>A on transcript NM_001164508.2 (MANE Select); coding-DNA position 10712, G replaced by A.
Protein change: p.Arg3571Lys; replaces arginine 3571 with lysine.
Molecular consequence: missense variant.
Genome position (GRCh38, 1-based): chr2:151,619,611, C>T on the plus strand (G>A on the coding strand, the complement: NEB is on the minus strand). VCF-style: chr2-151619611-C-T. GRCh37 (hg19) VCF-style: chr2-152476125-C-T.
Other names: c.10712G>A, p.Arg3571Lys (NM_001164507.2, NM_001271208.2); c.9983G>A, p.Arg3328Lys (NM_004543.5); c.9983G>A (NM_004543.4); short protein forms R3328K, R3571K.
Identifiers: ClinVar variation 1351161 (VCV001351161.4), dbSNP rs761487598, ClinGen allele CA1908964.

ClinVar aggregate classification (germline): Uncertain significance. Review status: criteria provided, multiple submitters, no conflicts (2 of 4 stars). 2 submissions from 2 submitters: Uncertain significance (2). Last evaluated 2025-05-20.

Conditions:
Nemaline myopathy 2 (NEM2). Also called: Nemaline myopathy 2, autosomal recessive. Identifiers: MedGen C1850569, MONDO:0009725, OMIM 256030.
Inborn genetic diseases. Identifiers: MedGen C0950123, MeSH D030342.

gnomAD v4.1: 5 of 1,613,970 alleles (0.00031%); highest among the groups gnomAD compares: Non-Finnish European, 0.00042%; no homozygotes.

Submissions (2):

Ambry Genetics
Classification: Uncertain significance for Inborn genetic diseases. Last evaluated: 2025-05-20. Review status: criteria provided, single submitter. Criteria: Ambry Variant Classification Scheme 2023. Collection method: clinical testing. Allele origin: germline.

Labcorp Genetics (formerly Invitae), Labcorp
Classification: Uncertain significance for Nemaline myopathy 2. Last evaluated: 2022-02-23. Review status: criteria provided, single submitter. Criteria: Invitae Variant Classification Sherloc (09022015). Collection method: clinical testing. Allele origin: germline.
Comment: This sequence change replaces arginine, which is basic and polar, with lysine, which is basic and polar, at codon 3571 of the NEB protein (p.Arg3571Lys). This variant is present in population databases (rs761487598, gnomAD 0.004%). This variant has not been reported in the literature in individuals affected with NEB-related conditions. Algorithms developed to predict the effect of missense changes on protein structure and function are either unavailable or do not agree on the potential impact of this missense change (SIFT: "Deleterious"; PolyPhen-2: "Not Available"; Align-GVGD: "Class C0"). In summary, the available evidence is currently insufficient to determine the role of this variant in disease. Therefore, it has been classified as a Variant of Uncertain Significance.